The following is an entry in ClinVar:

ClinVar aggregate classification (germline): Uncertain significance (1 of 4 stars; one submission).

Conditions:
Neurofibromatosis, type 2 (SWNV). Also called: BILATERAL ACOUSTIC NEUROFIBROMATOSIS; SCHWANNOMATOSIS, VESTIBULAR; NF2-Related Schwannomatosis. Identifiers: Orphanet 637, MedGen C0027832, MONDO:0007039, OMIM 101000. Disease mechanism: loss of function.

Submission:

Labcorp Genetics (formerly Invitae), Labcorp
Classification: Uncertain significance for Neurofibromatosis, type 2. Last evaluated: 2024-10-03. Review status: criteria provided, single submitter. Criteria: Invitae Variant Classification Sherloc (09022015). Collection method: clinical testing. Allele origin: germline.
Comment: This sequence change replaces threonine, which is neutral and polar, with serine, which is neutral and polar, at codon 272 of the NF2 protein (p.Thr272Ser). This variant is not present in population databases (gnomAD no frequency). This variant has not been reported in the literature in individuals affected with NF2-related conditions. Invitae Evidence Modeling of protein sequence and biophysical properties (such as structural, functional, and spatial information, amino acid conservation, physicochemical variation, residue mobility, and thermodynamic stability) indicates that this missense variant is not expected to disrupt NF2 protein function with a negative predictive value of 80%. In summary, the available evidence is currently insufficient to determine the role of this variant in disease. Therefore, it has been classified as a Variant of Uncertain Significance.

NM_000268.4(NF2):c.815C>G (p.Thr272Ser)

Gene: NF2 (NF2, moesin-ezrin-radixin like (MERLIN) tumor suppressor; plus strand). Cytogenetic location: 22q12.2.
Variant type: single nucleotide variant.
Coding change: c.815C>G on transcript NM_000268.4 (MANE Select); coding-DNA position 815, C replaced by G.
Protein change: p.Thr272Ser; replaces threonine 272 with serine.
Molecular consequence: missense variant. On other transcripts: non-coding transcript variant (1), intron variant (1).
Genome position (GRCh38, 1-based): chr22:29,664,994, C>G. VCF-style: chr22-29664994-C-G. GRCh37 (hg19) VCF-style: chr22-30060983-C-G.
Other names: c.701C>G, p.Thr234Ser (NM_001407053.1, NM_001407056.1); c.692C>G, p.Thr231Ser (NM_001407054.1, NM_001407058.1, NM_181829.3); c.689C>G, p.Thr230Ser (NM_001407055.1, NM_181828.3); c.680C>G, p.Thr227Ser (NM_001407057.1, NM_001407059.1); c.815C>G, p.Thr272Ser (NM_001407060.1, NM_001407066.1, NM_016418.5 and 2 more transcripts); c.557C>G, p.Thr186Ser (NM_001407062.1); c.566C>G, p.Thr189Ser (NM_001407063.1, NM_001407064.1, NM_181830.3 and 1 more transcripts); c.281C>G, p.Thr94Ser (NM_001407065.1); and 2 more; short protein forms T227S, T230S, T94S, T186S, T234S, T189S, T195S, T231S.
Identifiers: ClinVar variation 3720217 (VCV003720217.2).
Genomic context (GRCh38, chr22:29,664,994, plus strand): 5'-TGCTGGTAACATTCCAGGCTGTCGGACTGAAACTGTGTTCTGCTTCATTCTTCCAGTTTA[C>G]TATTAAACCACTGGATAAGAAAATTGATGTCTTCAAGTTTAACTCCTCAAAGCTTCGTGT-3'
Protein context (NP_000259.1, residues 262-282): RNISYSDKEF[Thr272Ser]IKPLDKKIDV